The following is an entry in ClinVar:

NM_000051.4(ATM):c.1201C>T (p.Gln401Ter)

Gene: ATM (ATM serine/threonine kinase; plus strand). Cytogenetic location: 11q22.3.
Variant type: single nucleotide variant.
Coding change: c.1201C>T on transcript NM_000051.4 (MANE Select); coding-DNA position 1201, C replaced by T.
Protein change: p.Gln401Ter; replaces glutamine 401 with a stop codon.
Molecular consequence: nonsense.
Genome position (GRCh38, 1-based): chr11:108,249,068, C>T. VCF-style: chr11-108249068-C-T. GRCh37 (hg19) VCF-style: chr11-108119795-C-T.
Other names: c.1201C>T, p.Gln401Ter (NM_001351834.2); short protein forms Q401*.
Identifiers: ClinVar variation 1747668 (VCV001747668.4), dbSNP rs772529339, ClinGen allele CA6264772.

ClinVar aggregate classification (germline): Pathogenic/Likely pathogenic. Review status: criteria provided, multiple submitters, no conflicts (2 of 4 stars). 4 submissions from 4 submitters: Pathogenic (3); Likely pathogenic (1). Last evaluated 2025-03-04.

Conditions:
Familial cancer of breast. Also called: BREAST CANCER, FAMILIAL; Hereditary breast cancer; hereditary breast carcinoma. Identifiers: Orphanet 227535, MedGen C0346153, MONDO:0016419, OMIM 114480. Disease mechanism: loss of function.
Hereditary cancer-predisposing syndrome. Also called: Neoplastic Syndromes, Hereditary; Tumor predisposition; Hereditary Cancer Syndrome; Hereditary neoplastic syndrome. Identifiers: Orphanet 140162, MedGen C0027672, MeSH D009386, MONDO:0015356.
Ataxia-telangiectasia syndrome (AT). Also called: LOUIS-BAR SYNDROME; Cerebello-oculocutaneous telangiectasia; Immunodeficiency with ataxia telangiectasia; Ataxia-telangiectasia, complementation group D; AT, COMPLEMENTATION GROUP C; ATAXIA-TELANGIECTASIA, COMPLEMENTATION GROUP A. Identifiers: Orphanet 100, MedGen C0004135, MONDO:0008840, OMIM 208900.

Allele frequency attached by ClinVar (database versions not stated): ExAC 0.00001.
gnomAD v4.1: 5 of 1,613,980 alleles (0.00031%); highest among the groups gnomAD compares: Non-Finnish European, 0.00042%; no homozygotes.

Submissions (4):

Molecular Diagnostics Laboratory, Catalan Institute of Oncology
Classification: Pathogenic for Hereditary cancer-predisposing syndrome. Last evaluated: 2025-03-04. Review status: criteria provided, single submitter. Criteria: ClinGen ACMG Specifications ATM V1.1.0. Collection method: clinical testing. Allele origin: germline.
Comment: PVS1, PM2_Supporting, PM5_Supporting c.1201C>T, located in exon 9 of the ATM gene, is expected to result in loss of function by premature protein truncation and nonsense-mediated mRNA decay, p.(Gln401*) (PVS1, PM5_Supporting). This variant is found in 1/268080 alleles at a frequency of 0.0004% in the gnomAD v2.1.1 database, non-cancer dataset (PM2_supporting). The SpliceAI algorithm results in a non-informative donor loss deltascore (0.47) for the effect of this variant on splicing (However, the loss of this exon would also result in a truncated protein). To our knowledge, no functional studies have been reported for this variant. This variant has been reported in the ClinVar database (2x pathogenic, 1x likely pathogenic) but not in the LOVD database. Based on currently available information, the variant c.1201C>T should be considered a pathogenic variant.

Fulgent Genetics
Classification: Likely pathogenic for Familial cancer of breast; Ataxia-telangiectasia syndrome. Last evaluated: 2024-03-28. Review status: criteria provided, single submitter. Criteria: ACMG Guidelines, 2015. Collection method: clinical testing. Allele origin: germline.

Myriad Genetics, Inc.
Classification: Pathogenic for Familial cancer of breast. Last evaluated: 2024-01-12. Review status: criteria provided, single submitter. Criteria: Myriad Autosomal Dominant, Autosomal Recessive and X-Linked Classification Criteria (2023). Collection method: clinical testing. Allele origin: unknown.
Comment: This variant is considered pathogenic. This variant creates a termination codon and is predicted to result in premature protein truncation.

Ambry Genetics
Classification: Pathogenic for Hereditary cancer-predisposing syndrome. Last evaluated: 2022-05-24. Review status: criteria provided, single submitter. Criteria: Ambry Variant Classification Scheme 2023. Collection method: clinical testing. Allele origin: germline.
Comment: The p.Q401* pathogenic mutation (also known as c.1201C>T), located in coding exon 8 of the ATM gene, results from a C to T substitution at nucleotide position 1201. This changes the amino acid from a glutamine to a stop codon within coding exon 8. This alteration is expected to result in loss of function by premature protein truncation or nonsense-mediated mRNA decay. As such, this alteration is interpreted as a disease-causing mutation.